The following is an entry in ClinVar:

ClinVar aggregate classification (germline): Uncertain significance (1 of 4 stars; one submission).

Conditions:
Ehlers-Danlos syndrome, kyphoscoliotic type 1 (EDSKSCL1). Also called: EHLERS-DANLOS SYNDROME, OCULAR-SCOLIOTIC TYPE; PLOD1-Related Kyphoscoliotic Ehlers-Danlos Syndrome; Ehlers-Danlos syndrome, hydroxylysine-deficient; EHLERS-DANLOS SYNDROME, TYPE VIA. Identifiers: Orphanet 1900, MedGen C0268342, MONDO:0016002, OMIM 225400. Disease mechanism: loss of function.

gnomAD v4.1: 2 of 1,614,150 alleles (0.00012%); highest among the groups gnomAD compares: African/African-American, 0.0013%; no homozygotes.

Submission:

Labcorp Genetics (formerly Invitae), Labcorp
Classification: Uncertain significance for Ehlers-Danlos syndrome, kyphoscoliotic type 1. Last evaluated: 2021-10-09. Review status: criteria provided, single submitter. Criteria: Invitae Variant Classification Sherloc (09022015). Collection method: clinical testing. Allele origin: germline.
Comment: This sequence change replaces phenylalanine with leucine at codon 126 of the PLOD1 protein (p.Phe126Leu). The phenylalanine residue is highly conserved and there is a small physicochemical difference between phenylalanine and leucine. This variant is not present in population databases (ExAC no frequency). This variant has not been reported in the literature in individuals affected with PLOD1-related conditions. Algorithms developed to predict the effect of missense changes on protein structure and function are either unavailable or do not agree on the potential impact of this missense change (SIFT: "Deleterious"; PolyPhen-2: "Probably Damaging"; Align-GVGD: "Class C0"). In summary, the available evidence is currently insufficient to determine the role of this variant in disease. Therefore, it has been classified as a Variant of Uncertain Significance.

NM_000302.4(PLOD1):c.376T>C (p.Phe126Leu)

Gene: PLOD1 (procollagen-lysine,2-oxoglutarate 5-dioxygenase 1; plus strand). Cytogenetic location: 1p36.22.
Variant type: single nucleotide variant.
Coding change: c.376T>C on transcript NM_000302.4 (MANE Select); coding-DNA position 376, T replaced by C.
Protein change: p.Phe126Leu; replaces phenylalanine 126 with leucine.
Molecular consequence: missense variant.
Genome position (GRCh38, 1-based): chr1:11,950,430, T>C. VCF-style: chr1-11950430-T-C. GRCh37 (hg19) VCF-style: chr1-12010487-T-C.
Other names: c.517T>C, p.Phe173Leu (NM_001316320.2); short protein forms F126L, F173L.
Identifiers: ClinVar variation 1385556 (VCV001385556.3), dbSNP rs144702307, ClinGen allele CA338427134.
Genomic context (GRCh38, chr1:11,950,430, plus strand): 5'-TTTGCATCGGGGCCCCGGGAGCTCCTGAAGAAGTTCCGGCAGGCCAGGAGCCAGGTGGTC[T>C]TCTCTGCTGAGGAGCTCATCTACCCAGACCGCAGGCTGGAGACCAAGTATCCGGTGGTGT-3'
Protein context (NP_000293.2, residues 116-136): KFRQARSQVV[Phe126Leu]SAEELIYPDR